The following is an entry in ClinVar:

ClinVar aggregate classification (germline): Uncertain significance (1 of 4 stars; one submission).

Allele frequency attached by ClinVar (database versions not stated): gnomAD exomes 0.00001 and 0.00002; ExAC 0.00002; gnomAD 0.00011 and 0.00012; TOPMed 0.00027.
gnomAD v4.1: 37 of 1,613,808 alleles (0.0023%); highest among the groups gnomAD compares: Admixed American, 0.038%; no homozygotes.

Submission:

Labcorp Genetics (formerly Invitae), Labcorp
Classification: Uncertain significance. Last evaluated: 2024-06-10. Review status: criteria provided, single submitter. Criteria: Invitae Variant Classification Sherloc (09022015). Collection method: clinical testing. Allele origin: germline.
Comment: This sequence change falls in intron 10 of the SH3PXD2B gene. It does not directly change the encoded amino acid sequence of the SH3PXD2B protein. It affects a nucleotide within the consensus splice site. This variant is present in population databases (rs752701208, gnomAD 0.007%). This variant has not been reported in the literature in individuals affected with SH3PXD2B-related conditions. ClinVar contains an entry for this variant (Variation ID: 1437527). Variants that disrupt the consensus splice site are a relatively common cause of aberrant splicing (PMID: 17576681, 9536098). Algorithms developed to predict the effect of sequence changes on RNA splicing suggest that this variant is not likely to affect RNA splicing. In summary, the available evidence is currently insufficient to determine the role of this variant in disease. Therefore, it has been classified as a Variant of Uncertain Significance.

Literature cited by the submitters: PubMed 17576681; PubMed 9536098.

NM_001017995.3(SH3PXD2B):c.1013-3T>C

Gene: SH3PXD2B (SH3 and PX domains 2B; minus strand). Cytogenetic location: 5q35.1.
Variant type: single nucleotide variant.
Coding change: c.1013-3T>C on transcript NM_001017995.3 (MANE Select); 3 bases into the intron before coding-DNA position 1013, T replaced by C.
Molecular consequence: intron variant.
Genome position (GRCh38, 1-based): chr5:172,347,335, A>G on the plus strand (T>C on the coding strand, the complement: SH3PXD2B is on the minus strand). VCF-style: chr5-172347335-A-G. GRCh37 (hg19) VCF-style: chr5-171774339-A-G.
Other names: c.1013-3T>C (NM_001308175.2).
Identifiers: ClinVar variation 1437527 (VCV001437527.4), dbSNP rs752701208, ClinGen allele CA3561339.